The following is an entry in ClinVar:

NM_004984.4(KIF5A):c.742G>A (p.Val248Met)

Gene: KIF5A (kinesin family member 5A; plus strand). Cytogenetic location: 12q13.3.
Variant type: single nucleotide variant.
Coding change: c.742G>A on transcript NM_004984.4 (MANE Select); coding-DNA position 742, G replaced by A.
Protein change: p.Val248Met; replaces valine 248 with methionine.
Molecular consequence: missense variant.
Genome position (GRCh38, 1-based): chr12:57,568,990, G>A. VCF-style: chr12-57568990-G-A. GRCh37 (hg19) VCF-style: chr12-57962773-G-A.
Other names: c.475G>A, p.Val159Met (NM_001354705.2); c.742G>A (NM_004984.2); short protein forms V159M, V248M.
Identifiers: ClinVar variation 1921101 (VCV001921101.6), dbSNP rs151129834, ClinGen allele CA237783099.

ClinVar aggregate classification (germline): Uncertain significance. Review status: criteria provided, multiple submitters, no conflicts (2 of 4 stars). 2 submissions from 2 submitters: Uncertain significance (2). Last evaluated 2025-03-13.

Conditions:
Spastic paraplegia. Identifiers: MedGen C0037772, HP:0001258.
KIF5A-related disorder. Also called: KIF5A-related disorders; KIF5A-related condition.

Allele frequency attached by ClinVar (database versions not stated): gnomAD exomes 0.00001; gnomAD 0.00002; TOPMed 0.00003; ESP Exome Variant Server 0.00008.
gnomAD v4.1: 10 of 1,613,770 alleles (0.00062%); highest among the groups gnomAD compares: African/African-American, 0.0053%; no homozygotes.

Submissions (2):

Labcorp Genetics (formerly Invitae), Labcorp
Classification: Uncertain significance for Spastic paraplegia. Last evaluated: 2025-03-13. Review status: criteria provided, single submitter. Criteria: Invitae Variant Classification Sherloc (09022015). Collection method: clinical testing. Allele origin: germline.
Comment: This sequence change replaces valine, which is neutral and non-polar, with methionine, which is neutral and non-polar, at codon 248 of the KIF5A protein (p.Val248Met). This variant is not present in population databases (gnomAD no frequency). This missense change has been observed in individual(s) with clinical features of KIF5A-related conditions (internal data). ClinVar contains an entry for this variant (Variation ID: 1921101). Invitae Evidence Modeling of protein sequence and biophysical properties (such as structural, functional, and spatial information, amino acid conservation, physicochemical variation, residue mobility, and thermodynamic stability) has been performed for this missense variant. However, the output from this modeling did not meet the statistical confidence thresholds required to predict the impact of this variant on KIF5A protein function. In summary, the available evidence is currently insufficient to determine the role of this variant in disease. Therefore, it has been classified as a Variant of Uncertain Significance.

PreventionGenetics, part of Exact Sciences
Classification: Uncertain significance for KIF5A-related condition. Last evaluated: 2023-05-05. Review status: criteria provided, single submitter. Criteria: ACMG Guidelines, 2015. Collection method: clinical testing. Allele origin: germline.
Comment: The KIF5A c.742G>A variant is predicted to result in the amino acid substitution p.Val248Met. To our knowledge, this variant has not been reported in the literature or in a large population database, indicating this variant is rare. At this time, the clinical significance of this variant is uncertain due to the absence of conclusive functional and genetic evidence.